The following is an entry in ClinVar:

ClinVar aggregate classification (germline): Uncertain significance (1 of 4 stars; one submission).

Conditions:
Epileptic encephalopathy. Identifiers: MedGen C0543888, HP:0200134.

Allele frequency attached by ClinVar (database versions not stated): gnomAD exomes 0.00002.
gnomAD v4.1: 13 of 1,613,626 alleles (0.00081%); highest among the groups gnomAD compares: East Asian, 0.029%; no homozygotes.

Submission:

Labcorp Genetics (formerly Invitae), Labcorp
Classification: Uncertain significance for Epileptic encephalopathy. Last evaluated: 2020-02-17. Review status: criteria provided, single submitter. Criteria: Invitae Variant Classification Sherloc (09022015). Collection method: clinical testing. Allele origin: germline.
Comment: This sequence change replaces arginine with tryptophan at codon 3088 of the RYR3 protein (p.Arg3088Trp). The arginine residue is highly conserved and there is a moderate physicochemical difference between arginine and tryptophan. This variant is not present in population databases (ExAC no frequency). This variant has not been reported in the literature in individuals with RYR3-related conditions. Algorithms developed to predict the effect of missense changes on protein structure and function are either unavailable or do not agree on the potential impact of this missense change (SIFT: "Deleterious"; PolyPhen-2: "Probably Damaging"; Align-GVGD: "Class C0"). In summary, the available evidence is currently insufficient to determine the role of this variant in disease. Therefore, it has been classified as a Variant of Uncertain Significance.

NM_001036.6(RYR3):c.9262A>T (p.Arg3088Trp)

Gene: RYR3 (ryanodine receptor 3; plus strand). Cytogenetic location: 15q14.
Variant type: single nucleotide variant.
Coding change: c.9262A>T on transcript NM_001036.6 (MANE Select); coding-DNA position 9262, A replaced by T.
Protein change: p.Arg3088Trp; replaces arginine 3088 with tryptophan.
Molecular consequence: missense variant.
Genome position (GRCh38, 1-based): chr15:33,780,335, A>T. VCF-style: chr15-33780335-A-T. GRCh37 (hg19) VCF-style: chr15-34072536-A-T.
Other names: c.9262A>T, p.Arg3088Trp (NM_001243996.4); short protein forms R3088W.
Identifiers: ClinVar variation 1019597 (VCV001019597.9), dbSNP rs2074308170, ClinGen allele CA391590076.